The following is an entry in ClinVar:

NM_001126108.2(SLC12A3):c.1288T>A (p.Cys430Ser)

Gene: SLC12A3 (solute carrier family 12 member 3; plus strand). Cytogenetic location: 16q13.
Variant type: single nucleotide variant.
Coding change: c.1288T>A on transcript NM_001126108.2 (MANE Select); coding-DNA position 1288, T replaced by A.
Protein change: p.Cys430Ser; replaces cysteine 430 with serine.
Molecular consequence: missense variant.
Genome position (GRCh38, 1-based): chr16:56,879,180, T>A. VCF-style: chr16-56879180-T-A. GRCh37 (hg19) VCF-style: chr16-56913092-T-A.
Other names: c.1288T>A, p.Cys430Ser (NM_000339.3); c.1285T>A, p.Cys429Ser (NM_001126107.2, NM_001410896.1); c.1288T>A (NM_000339.2); short protein forms C430S, C429S.
Identifiers: ClinVar variation 1977458 (VCV001977458.8), dbSNP rs2144711663, ClinGen allele CA395986121.
Genomic context (GRCh38, chr16:56,879,180, plus strand): 5'-ACCCCTGGCTGGGGTGCCTGCGAGGGGCTGGCCTGCAGCTATGGCTGGAACTTCACCGAG[T>A]GCACCCAGCAGCACAGCTGCCACTACGGCCTCATCAACTATTACCAGGTACTGCCAGGAG-3'
Protein context (NP_001119580.2, residues 420-440): ACSYGWNFTE[Cys430Ser]TQQHSCHYGL

ClinVar aggregate classification (germline): Likely pathogenic. Review status: criteria provided, multiple submitters, no conflicts (2 of 4 stars). 3 submissions from 3 submitters: Likely pathogenic (3). Last evaluated 2026-01-16.

Conditions:
Renal tubulopathies.

Allele frequency attached by ClinVar (database versions not stated): gnomAD exomes below 0.00001.
gnomAD v4.1: 4 of 1,613,028 alleles (0.00025%); highest among the groups gnomAD compares: Non-Finnish European, 0.00025%; no homozygotes.

Submissions (3):

Genetics Laboratory, Great Ormond Street Hospital NHS Foundation Trust, North Thames Genomic Laboratory Hub
Classification: Likely pathogenic for Renal tubulopathies. Last evaluated: 2026-01-16. Review status: criteria provided, single submitter. Criteria: ACGS Best Practice Guidelines for Variant Classification in Rare Disease 2024 v1.2. Collection method: clinical testing. Allele origin: germline. Affected: yes.
Comment: PM2_moderate, PP3_supporting, PM5_moderate, PM3_supporting, PP4_supporting

GeneDx
Classification: Likely pathogenic. Last evaluated: 2023-02-16. Review status: criteria provided, single submitter. Criteria: GeneDx Variant Classification Process June 2021. Collection method: clinical testing. Allele origin: germline. Affected: yes.
Comment: Not observed at significant frequency in large population cohorts (gnomAD); In silico analysis supports that this missense variant has a deleterious effect on protein structure/function; Has not been previously published as pathogenic or benign to our knowledge

Labcorp Genetics (formerly Invitae), Labcorp
Classification: Likely pathogenic. Last evaluated: 2022-04-28. Review status: criteria provided, single submitter. Criteria: Invitae Variant Classification Sherloc (09022015). Collection method: clinical testing. Allele origin: germline.
Comment: In summary, the currently available evidence indicates that the variant is pathogenic, but additional data are needed to prove that conclusively. Therefore, this variant has been classified as Likely Pathogenic. This variant disrupts the p.Cys430 amino acid residue in SLC12A3. Other variant(s) that disrupt this residue have been determined to be pathogenic (PMID: 18287808, 22934535, 30413979, 31398183). This suggests that this residue is clinically significant, and that variants that disrupt this residue are likely to be disease-causing. Advanced modeling of protein sequence and biophysical properties (such as structural, functional, and spatial information, amino acid conservation, physicochemical variation, residue mobility, and thermodynamic stability) performed at Invitae indicates that this missense variant is expected to disrupt SLC12A3 protein function. This variant has not been reported in the literature in individuals affected with SLC12A3-related conditions. This variant is not present in population databases (gnomAD no frequency). This sequence change replaces cysteine, which is neutral and slightly polar, with serine, which is neutral and polar, at codon 430 of the SLC12A3 protein (p.Cys430Ser).

Literature cited by the submitters: PubMed 18287808 (cited by Labcorp Genetics (formerly Invitae), Labcorp); PubMed 22934535 (cited by Labcorp Genetics (formerly Invitae), Labcorp); PubMed 30413979 (cited by Labcorp Genetics (formerly Invitae), Labcorp); PubMed 31398183 (cited by Labcorp Genetics (formerly Invitae), Labcorp).